The following is an entry in ClinVar:

NM_138413.4(HOGA1):c.653del (p.Gln218fs)

Gene: HOGA1 (4-hydroxy-2-oxoglutarate aldolase 1; plus strand). Cytogenetic location: 10q24.2.
Variant type: Deletion.
Coding change: c.653del on transcript NM_138413.4 (MANE Select); coding-DNA position 653, one base deleted (A; older notation c.653delA).
Protein change: p.Gln218fs; shifts the reading frame from glutamine 218.
Molecular consequence: frameshift variant. On other transcripts: intron variant (1).
Genome position (GRCh38, 1-based): chr10:97,600,116, A deleted. VCF-style (leftmost placement, unchanged base first): chr10-97600115-CA-C. GRCh37 (hg19) VCF-style: chr10-99359872-CA-C.
Other names: c.212-1741del (NM_001134670.2); short protein forms Q218fs.
Identifiers: ClinVar variation 855900 (VCV000855900.11), dbSNP rs2041104962, ClinGen allele CA916083160.
Genomic context (GRCh38, chr10:97,600,115, plus strand): 5'-TTGCTGTTGCAGGTGACCAGGATTGGGCTGATTGTTCACAAGACCAGGAAGCAGGATTTT[CA>C]GGTGTTGGCTGGATCGGCTGGCTTTCTGATGGCCAGCTATGCCTTGGGTAGGCCGCCCAC-3'

ClinVar aggregate classification (germline): Pathogenic/Likely pathogenic. Review status: criteria provided, multiple submitters, no conflicts (2 of 4 stars). 3 submissions from 3 submitters: Pathogenic (2); Likely pathogenic (1). Last evaluated 2025-08-04.

Conditions:
Primary hyperoxaluria type 3. Also called: PH III. Identifiers: Orphanet 416, Orphanet 93600, MedGen C3150878, MONDO:0013327, OMIM 613616. Disease mechanism: loss of function.

Submissions (3):

Myriad Genetics, Inc.
Classification: Pathogenic for Primary hyperoxaluria type 3. Last evaluated: 2025-08-04. Review status: criteria provided, single submitter. Criteria: Myriad Autosomal Dominant, Autosomal Recessive and X-Linked Classification Criteria (2023). Collection method: clinical testing. Allele origin: unknown.
Comment: NM_138413.3(HOGA1):c.653delA(Q218Rfs*10) is a frameshift variant classified as pathogenic in the context of primary hyperoxaluria type 3. Q218Rfs*10 has not been observed in cases with relevant disease. Relevant functional assessments of this variant are not available in the literature. Q218Rfs*10 has not been observed in referenced population frequency databases. In summary, NM_138413.3(HOGA1):c.653delA(Q218Rfs*10) is a frameshift variant in a gene where loss of function is a known mechanism of disease and is predicted to disrupt protein function. Please note: this variant was assessed in the context of healthy population screening.

Natera, Inc.
Classification: Likely pathogenic for Primary hyperoxaluria type III. Last evaluated: 2024-07-31. Review status: criteria provided, single submitter. Criteria: Natera Variant Classification Schema (03/2026). Collection method: clinical testing. Allele origin: germline.
Comment: The c.653del variant in HOGA1 is a frameshift variant predicted to shift the reading frame beginning at codon 218 and leads to a stop codon 10 codons downstream. This variant is expected to result in nonsense mediated decay, truncation, or a dysfunctional protein product. This variant is rare in the general population with a frequency below the threshold expected for the associated phenotype(s). Given the available evidence, this variant is classified as Likely Pathogenic.

Labcorp Genetics (formerly Invitae), Labcorp
Classification: Pathogenic. Last evaluated: 2022-05-24. Review status: criteria provided, single submitter. Criteria: Invitae Variant Classification Sherloc (09022015). Collection method: clinical testing. Allele origin: germline.
Comment: This variant is not present in population databases (gnomAD no frequency). This sequence change creates a premature translational stop signal (p.Gln218Argfs*10) in the HOGA1 gene. It is expected to result in an absent or disrupted protein product. Loss-of-function variants in HOGA1 are known to be pathogenic (PMID: 22391140, 22781098). This variant has not been reported in the literature in individuals affected with HOGA1-related conditions. ClinVar contains an entry for this variant (Variation ID: 855900). For these reasons, this variant has been classified as Pathogenic.

Literature cited by the submitters: PubMed 22391140 (cited by Labcorp Genetics (formerly Invitae), Labcorp); PubMed 22781098 (cited by Labcorp Genetics (formerly Invitae), Labcorp).